The following is an entry in ClinVar:

ClinVar aggregate classification (germline): Uncertain significance (1 of 4 stars; one submission).

gnomAD v4.1: 5 of 1,614,086 alleles (0.00031%); highest among the groups gnomAD compares: East Asian, 0.0022%; no homozygotes.

Submission:

Labcorp Genetics (formerly Invitae), Labcorp
Classification: Uncertain significance. Last evaluated: 2022-03-23. Review status: criteria provided, single submitter. Criteria: Invitae Variant Classification Sherloc (09022015). Collection method: clinical testing. Allele origin: germline.
Comment: This sequence change replaces arginine, which is basic and polar, with histidine, which is basic and polar, at codon 368 of the VDR protein (p.Arg368His). This variant is present in population databases (no rsID available, gnomAD 0.004%). This variant has not been reported in the literature in individuals affected with VDR-related conditions. Algorithms developed to predict the effect of missense changes on protein structure and function are either unavailable or do not agree on the potential impact of this missense change (SIFT: "Deleterious"; PolyPhen-2: "Benign"; Align-GVGD: "Class C0"). In summary, the available evidence is currently insufficient to determine the role of this variant in disease. Therefore, it has been classified as a Variant of Uncertain Significance.

NM_000376.3(VDR):c.1103G>A (p.Arg368His)

Gene: VDR (vitamin D receptor; minus strand). Cytogenetic location: 12q13.11.
Variant type: single nucleotide variant.
Coding change: c.1103G>A on transcript NM_000376.3 (MANE Select); coding-DNA position 1103, G replaced by A.
Protein change: p.Arg368His; replaces arginine 368 with histidine.
Molecular consequence: missense variant.
Genome position (GRCh38, 1-based): chr12:47,844,927, C>T on the plus strand (G>A on the coding strand, the complement: VDR is on the minus strand). VCF-style: chr12-47844927-C-T. GRCh37 (hg19) VCF-style: chr12-48238710-C-T.
Other names: c.1103G>A, p.Arg368His (NM_001017535.2, NM_001364085.2, NM_001374661.1 and 1 more transcripts); c.1253G>A, p.Arg418His (NM_001017536.2); short protein forms R368H, R418H.
Identifiers: ClinVar variation 2075756 (VCV002075756.1), dbSNP rs376903517, ClinGen allele CA384514414.